The following is an entry in ClinVar:

ClinVar aggregate classification (germline): Uncertain significance (1 of 4 stars; one submission).

Conditions:
Developmental and epileptic encephalopathy, 25 (DEE25). Also called: Epileptic encephalopathy, early infantile, 25; Developmental and epileptic encephalopathy 25, with amelogenesis imperfecta; Epileptic encephalopathy, early infantile, 25, with amelogenesis imperfecta. Identifiers: Orphanet 442835, MedGen C4014621, MONDO:0014392, OMIM 615905.

Allele frequency attached by ClinVar (database versions not stated): gnomAD exomes below 0.00001.
gnomAD v4.1: 3 of 1,614,062 alleles (0.00019%); highest among the groups gnomAD compares: Non-Finnish European, 0.00025%; no homozygotes.

Submission:

Broad Center for Mendelian Genomics, Broad Institute of MIT and Harvard
Classification: Uncertain significance for Developmental and epileptic encephalopathy, 25. Last evaluated: 2021-11-02. Review status: criteria provided, single submitter. Criteria: ACMG Guidelines, 2015. Collection method: curation. Allele origin: germline. Inheritance: Autosomal recessive inheritance.
Comment: The p.Met45Ile variant in SLC13A5 has been reported in 1 individual with developmental and epileptic encephalopathy (TESS Research Database), and has been identified in 0.0009% (1/113740) of European (Non-Finnish) chromosomes by the Genome Aggregation Database (gnomAD; dbSNP ID: rs559408530). Although this variant has been seen in the general population in a heterozygous state, its frequency is low enough to be consistent with a recessive carrier frequency. Computational prediction tools and conservation analyses do not provide strong support for or against an impact to the protein. In summary, the clinical significance of the p.Met45Ile variant is uncertain. ACMG/AMP Criteria applied: PM2_supporting (Richards 2015).

NM_177550.5(SLC13A5):c.135G>A (p.Met45Ile)

Gene: SLC13A5 (solute carrier family 13 member 5; minus strand). Cytogenetic location: 17p13.1.
Variant type: single nucleotide variant.
Coding change: c.135G>A on transcript NM_177550.5 (MANE Select); coding-DNA position 135, G replaced by A.
Protein change: p.Met45Ile; replaces methionine 45 with isoleucine.
Molecular consequence: missense variant. On other transcripts: intron variant (1).
Genome position (GRCh38, 1-based): chr17:6,707,124, C>T on the plus strand (G>A on the coding strand, the complement: SLC13A5 is on the minus strand). VCF-style: chr17-6707124-C-T. GRCh37 (hg19) VCF-style: chr17-6610443-C-T.
Other names: NM_177550.5:c.135G>A; c.135G>A, p.Met45Ile (NM_001143838.3, NM_001284509.2); c.103-346G>A (NM_001284510.2); short protein forms M45I.
Identifiers: ClinVar variation 1312500 (VCV001312500.2), dbSNP rs1311732049, ClinGen allele CA397751900.